The following is an entry in ClinVar:

ClinVar aggregate classification (germline): Benign/Likely benign. Review status: criteria provided, multiple submitters, no conflicts (2 of 4 stars). 12 submissions from 12 submitters: Benign (9); Likely benign (1). 2 of the submissions do not count toward it. Last evaluated 2026-02-04.

Conditions:
Combined immunodeficiency due to DOCK8 deficiency (HIES2). Also called: Hyper-IgE recurrent infection syndrome, autosomal recessive; HYPER-IgE RECURRENT INFECTION SYNDROME 2, AUTOSOMAL RECESSIVE; DOCK8 Deficiency; HIES autosomal recessive; HYPER-IgE SYNDROME 2, AUTOSOMAL RECESSIVE, WITH RECURRENT INFECTIONS. Identifiers: Orphanet 217390, MedGen C4722305, MONDO:0009478, OMIM 243700.

Allele frequency attached by ClinVar (database versions not stated): 1000 Genomes Project 0.21585; gnomAD exomes 0.21706; 1000 Genomes Project 30x 0.21846; ExAC 0.22256; gnomAD 0.23282 and 0.23408; TOPMed 0.23767; ESP Exome Variant Server 0.25181.
gnomAD v4.1: 377,492 of 1,611,044 alleles (23%); highest among the groups gnomAD compares: Middle Eastern, 28%; 45,786 homozygotes.

Submissions (12):

Labcorp Genetics (formerly Invitae), Labcorp
Classification: Benign for Combined immunodeficiency due to DOCK8 deficiency. Last evaluated: 2026-02-04. Review status: criteria provided, single submitter. Criteria: Invitae Variant Classification Sherloc (09022015). Collection method: clinical testing. Allele origin: germline.

Women's Health and Genetics/Laboratory Corporation of America, LabCorp
Classification: Benign. Last evaluated: 2026-01-21. Review status: criteria provided, single submitter. Criteria: LabCorp Variant Classification Summary - May 2015. Collection method: clinical testing. Allele origin: germline.

Blueprint Genetics
Classification: Likely benign. Last evaluated: 2024-11-27. Review status: criteria provided, single submitter. Criteria: ACMG Guidelines, 2015. Collection method: clinical testing. Allele origin: germline.

Unidad de Genómica Garrahan, Hospital de Pediatría Garrahan
Classification: Benign. Last evaluated: 2023-11-12. Review status: criteria provided, single submitter. Criteria: ACMG Guidelines, 2015. Collection method: clinical testing. Allele origin: germline. Affected: no. Observed: 38 variant alleles.
Comment: This variant is classified as Benign based on local population frequency. This variant was detected in 40% of patients studied by a panel of primary immunodeficiencies. Number of patients: 38. Only high quality variants are reported.

Mayo Clinic Laboratories, Mayo Clinic
Classification: Benign. Last evaluated: 2019-03-26. Review status: criteria provided, single submitter. Criteria: ACMG Guidelines, 2015. Collection method: clinical testing. Allele origin: germline. Observed: 367 variant alleles.

Illumina Laboratory Services, Illumina
Classification: Benign for Combined immunodeficiency due to DOCK8 deficiency. Last evaluated: 2018-01-12. Review status: criteria provided, single submitter. Criteria: ICSL Variant Classification Criteria 13 December 2019. Collection method: clinical testing. Allele origin: germline.
Comment: This variant was observed in the ICSL laboratory as part of a predisposition screen in an ostensibly healthy population. It had not been previously curated by ICSL or reported in the Human Gene Mutation Database (HGMD: prior to June 1st, 2018), and was therefore a candidate for classification through an automated scoring system. Utilizing variant allele frequency, disease prevalence and penetrance estimates, and inheritance mode, an automated score was calculated to assess if this variant is too frequent to cause the disease. Based on the score and internal cut-off values, a variant classified as benign is not then subjected to further curation. The score for this variant resulted in a classification of benign for this disease.

GeneDx
Classification: Benign. Last evaluated: 2013-09-27. Review status: criteria provided, single submitter. Criteria: GeneDx Variant Classification (06012015). Collection method: clinical testing. Allele origin: germline. Affected: yes.
Comment: This variant is considered likely benign or benign based on one or more of the following criteria: it is a conservative change, it occurs at a poorly conserved position in the protein, it is predicted to be benign by multiple in silico algorithms, and/or has population frequency not consistent with disease.

Laboratory for Molecular Medicine, Mass General Brigham Personalized Medicine
Classification: Benign. Last evaluated: 2013-02-21. Review status: criteria provided, single submitter. Criteria: LMM Criteria. Collection method: clinical testing. Allele origin: germline. Observed: 35 variant alleles.
Comment: Lys604Lys in exon 16 of DOCK8: This variant is not expected to have clinical sig nificance because it does not alter an amino acid residue and is not located wit hin the splice consensus sequence. It has been identified in 26.9% (1184/4406) o f African American chromosomes from a broad population by the NHLBI Exome Sequen cing Project (dbSNP rs913703).

Breakthrough Genomics
Classification: Benign. Review status: criteria provided, single submitter. Criteria: ACMG Guidelines, 2015. Collection method: not provided. Allele origin: germline. Inheritance: Autosomal recessive inheritance. Affected: yes.

PreventionGenetics, part of Exact Sciences
Classification: Benign. Review status: criteria provided, single submitter. Criteria: ACMG Guidelines, 2015. Collection method: clinical testing. Allele origin: germline.

Diagnostic Laboratory, Department of Genetics, University Medical Center Groningen
Classification: Benign. Review status: no assertion criteria provided. Collection method: clinical testing. Allele origin: germline. Affected: yes. Study: VKGL Data-share Consensus. Not counted in ClinVar's aggregate classification.

Genome Diagnostics Laboratory, University Medical Center Utrecht
Classification: Benign. Review status: no assertion criteria provided. Collection method: clinical testing. Allele origin: germline. Affected: yes. Study: VKGL Data-share Consensus. Not counted in ClinVar's aggregate classification.

NM_203447.4(DOCK8):c.1812A>G (p.Lys604=)

Gene: DOCK8 (dedicator of cytokinesis 8; plus strand). Cytogenetic location: 9p24.3.
Variant type: single nucleotide variant.
Coding change: c.1812A>G on transcript NM_203447.4 (MANE Select); coding-DNA position 1812, A replaced by G.
Protein change: p.Lys604=; no amino-acid change (lysine 604 retained).
Molecular consequence: synonymous variant.
Genome position (GRCh38, 1-based): chr9:370,244, A>G. VCF-style: chr9-370244-A-G. GRCh37 (hg19) VCF-style: chr9-370244-A-G.
Other names: p.K536K:AAA>AAG; p.Lys604=; c.1608A>G, p.Lys536= (NM_001190458.2, NM_001193536.2).
Identifiers: ClinVar variation 137137 (VCV000137137.28), dbSNP rs913703, ClinGen allele CA182973.